The following is an entry in ClinVar:

ClinVar aggregate classification (germline): Uncertain significance. Review status: criteria provided, multiple submitters, no conflicts (2 of 4 stars). 2 submissions from 2 submitters: Uncertain significance (2). Last evaluated 2025-02-03.

Conditions:
Inborn genetic diseases. Identifiers: MedGen C0950123, MeSH D030342.

gnomAD v4.1: 2 of 1,613,968 alleles (0.00012%); highest among the groups gnomAD compares: African/African-American, 0.0013%; no homozygotes.

Submissions (2):

Ambry Genetics
Classification: Uncertain significance for Inborn genetic diseases. Last evaluated: 2025-02-03. Review status: criteria provided, single submitter. Criteria: Ambry Variant Classification Scheme 2023. Collection method: clinical testing. Allele origin: germline.

GeneDx
Classification: Uncertain significance. Last evaluated: 2024-08-06. Review status: criteria provided, single submitter. Criteria: GeneDx Variant Classification Process June 2021. Collection method: clinical testing. Allele origin: germline. Affected: yes.
Comment: Not observed at significant frequency in large population cohorts (gnomAD); In silico analysis supports that this missense variant has a deleterious effect on protein structure/function; Has not been previously published as pathogenic or benign to our knowledge

NM_173076.3(ABCA12):c.2933C>T (p.Pro978Leu)

Gene: ABCA12 (ATP binding cassette subfamily A member 12; minus strand). Cytogenetic location: 2q35.
Variant type: single nucleotide variant.
Coding change: c.2933C>T on transcript NM_173076.3 (MANE Select); coding-DNA position 2933, C replaced by T.
Protein change: p.Pro978Leu; replaces proline 978 with leucine.
Molecular consequence: missense variant. On other transcripts: non-coding transcript variant (1).
Genome position (GRCh38, 1-based): chr2:215,000,951, G>A on the plus strand (C>T on the coding strand, the complement: ABCA12 is on the minus strand). VCF-style: chr2-215000951-G-A. GRCh37 (hg19) VCF-style: chr2-215865675-G-A.
Other names: c.1979C>T, p.Pro660Leu (NM_015657.4); short protein forms P660L, P978L.
Identifiers: ClinVar variation 3603115 (VCV003603115.2).
Genomic context (GRCh38, chr2:215,000,951, plus strand): 5'-AGGCTTCTTGTGGTCTGTGCGGTCTTGAGACTCATCCGGATGGTATATTTTATGACAGGA[G>A]GAAGAAAGACATTTCCAGAGTCATAGCCTCTGTGCCAGCTTCTGTTAGAAGGAAGCTTAA-3'
Protein context (NP_775099.2, residues 968-988): RGYDSGNVFL[Pro978Leu]PVIKYTIRMS